The following is an entry in ClinVar:

ClinVar aggregate classification (germline): Uncertain significance (1 of 4 stars; one submission).

Submission:

GeneDx
Classification: Uncertain significance. Last evaluated: 2021-11-16. Review status: criteria provided, single submitter. Criteria: GeneDx Variant Classification Process June 2021. Collection method: clinical testing. Allele origin: germline. Affected: yes.
Comment: Not observed in large population cohorts (Lek et al., 2016); In silico analysis supports a deleterious effect on splicing; Has not been previously published as pathogenic or benign to our knowledge

NM_024757.5(EHMT1):c.822A>G (p.Thr274=)

Gene: EHMT1 (euchromatic histone lysine methyltransferase 1; plus strand). Cytogenetic location: 9q34.3.
Variant type: single nucleotide variant.
Coding change: c.822A>G on transcript NM_024757.5 (MANE Select); coding-DNA position 822, A replaced by G.
Protein change: p.Thr274=; no amino-acid change (threonine 274 retained).
Molecular consequence: synonymous variant.
Genome position (GRCh38, 1-based): chr9:137,728,528, A>G. VCF-style: chr9-137728528-A-G. GRCh37 (hg19) VCF-style: chr9-140622980-A-G.
Other names: c.822A>G, p.Thr274= (NM_001145527.2, NM_001354263.2, NM_001354611.2); c.729A>G, p.Thr243= (NM_001354259.2, NM_001354612.2).
Identifiers: ClinVar variation 1326681 (VCV001326681.2), dbSNP rs2135785300, ClinGen allele CA467864898.
Genomic context (GRCh38, chr9:137,728,528, plus strand): 5'-ATCCCTTCATCAGTCGCTACCTCAGAACCAGTGCTACATGGCCACCACAAAATCACAGAC[A>G]GGTAAAGAGGACCCGGCAACTGTCTCTGCTCTTTGAATGTATGTTTCGAGCCTGCCCCTT-3'
Protein context (NP_079033.4, residues 264-284): QCYMATTKSQ[Thr274=]ACLPFVLAAA